The following is an entry in ClinVar:

ClinVar aggregate classification (germline): Uncertain significance (1 of 4 stars; one submission).

Submission:

Ambry Genetics
Classification: Uncertain significance. Last evaluated: 2023-03-15. Review status: criteria provided, single submitter. Criteria: Ambry Variant Classification Scheme 2023. Collection method: clinical testing. Allele origin: germline.
Comment: The p.N2977D variant (also known as c.8929A>G), located in coding exon 65 of the PRKDC gene, results from an A to G substitution at nucleotide position 8929. The asparagine at codon 2977 is replaced by aspartic acid, an amino acid with highly similar properties. This amino acid position is conserved. In addition, this alteration is predicted to be tolerated by in silico analysis. Since supporting evidence is limited at this time, the clinical significance of this alteration remains unclear.

NM_006904.7(PRKDC):c.8929A>G (p.Asn2977Asp)

Gene: PRKDC (protein kinase, DNA-activated, catalytic subunit; minus strand). Cytogenetic location: 8q11.21.
Variant type: single nucleotide variant.
Coding change: c.8929A>G on transcript NM_006904.7 (MANE Select); coding-DNA position 8929, A replaced by G.
Protein change: p.Asn2977Asp; replaces asparagine 2977 with aspartic acid.
Molecular consequence: missense variant.
Genome position (GRCh38, 1-based): chr8:47,821,786, T>C on the plus strand (A>G on the coding strand, the complement: PRKDC is on the minus strand). VCF-style: chr8-47821786-T-C. GRCh37 (hg19) VCF-style: chr8-48734347-T-C.
Other names: c.8929A>G, p.Asn2977Asp (NM_001081640.2); short protein forms N2977D.
Identifiers: ClinVar variation 2561917 (VCV002561917.2), dbSNP rs2551865604, ClinGen allele CA371141203.